The following is an entry in ClinVar:

ClinVar aggregate classification (germline): Uncertain significance (1 of 4 stars; one submission).

Conditions:
Maple syrup urine disease (MSUD). Identifiers: Orphanet 511, MedGen C0024776, MeSH D008375, MONDO:0009563. Disease mechanism: loss of function.

Submission:

Labcorp Genetics (formerly Invitae), Labcorp
Classification: Uncertain significance for Maple syrup urine disease. Last evaluated: 2025-11-05. Review status: criteria provided, single submitter. Criteria: Invitae Variant Classification Sherloc (09022015). Collection method: clinical testing. Allele origin: germline.
Comment: This sequence change replaces threonine, which is neutral and polar, with isoleucine, which is neutral and non-polar, at codon 68 of the BCKDHB protein (p.Thr68Ile). This variant is not present in population databases (gnomAD no frequency). This variant has not been reported in the literature in individuals affected with BCKDHB-related conditions. ClinVar contains an entry for this variant (Variation ID: 2122209). Invitae Evidence Modeling of protein sequence and biophysical properties (such as structural, functional, and spatial information, amino acid conservation, physicochemical variation, residue mobility, and thermodynamic stability) indicates that this missense variant is not expected to disrupt BCKDHB protein function with a negative predictive value of 80%. In summary, the available evidence is currently insufficient to determine the role of this variant in disease. Therefore, it has been classified as a Variant of Uncertain Significance.

NM_183050.4(BCKDHB):c.203C>T (p.Thr68Ile)

Gene: BCKDHB (branched chain keto acid dehydrogenase E1 subunit beta; plus strand). Cytogenetic location: 6q14.1.
Variant type: single nucleotide variant.
Coding change: c.203C>T on transcript NM_183050.4 (MANE Select); coding-DNA position 203, C replaced by T.
Protein change: p.Thr68Ile; replaces threonine 68 with isoleucine.
Molecular consequence: missense variant. On other transcripts: 5 prime UTR variant (1), non-coding transcript variant (1).
Genome position (GRCh38, 1-based): chr6:80,127,553, C>T. VCF-style: chr6-80127553-C-T. GRCh37 (hg19) VCF-style: chr6-80837270-C-T.
Other names: c.203C>T, p.Thr68Ile (NM_000056.5); c.-8C>T (NM_001318975.1); short protein forms T68I.
Identifiers: ClinVar variation 2122209 (VCV002122209.4), dbSNP rs2481558433, ClinGen allele CA364658962.